The following is an entry in ClinVar:

NM_001330078.2(NRXN1):c.2497+9C>G

Gene: NRXN1 (neurexin 1; minus strand). Cytogenetic location: 2p16.3.
Variant type: single nucleotide variant.
Coding change: c.2497+9C>G on transcript NM_001330078.2 (MANE Select); 9 bases into the intron after coding-DNA position 2497, C replaced by G.
Molecular consequence: intron variant.
Genome position (GRCh38, 1-based): chr2:50,506,486, G>C on the plus strand (C>G on the coding strand, the complement: NRXN1 is on the minus strand). VCF-style: chr2-50506486-G-C. GRCh37 (hg19) VCF-style: chr2-50733624-G-C.
Other names: c.2386+9C>G (NM_001330096.2, NM_001330087.2); c.2431+9C>G (NM_001330083.2, NM_001330084.2); c.2416+9C>G (NM_001330088.2); c.2494+9C>G (NM_001330093.2); c.2485+9C>G (NM_001330094.2); c.2446+9C>G (NM_001330095.2); c.2473+9C>G (NM_001330082.2, NM_001330077.2); c.2470+9C>G (NM_001330085.2); and 2 more.
Identifiers: ClinVar variation 681704 (VCV000681704.8), dbSNP rs1243683821, ClinGen allele CA769788787.

ClinVar aggregate classification (germline): Likely benign. Review status: criteria provided, multiple submitters, no conflicts (2 of 4 stars). 2 submissions from 2 submitters: Likely benign (2). Last evaluated 2025-11-03.

Conditions:
Pitt-Hopkins-like syndrome 2 (PTHSL2). Identifiers: Orphanet 221150, Orphanet 600663, MedGen C3280479, MONDO:0013690, OMIM 614325.

Allele frequency attached by ClinVar (database versions not stated): gnomAD 0.00001; TOPMed 0.00001.
gnomAD v4.1: 11 of 1,611,182 alleles (0.00068%); highest among the groups gnomAD compares: African/African-American, 0.0094%; no homozygotes.

Submissions (2):

Labcorp Genetics (formerly Invitae), Labcorp
Classification: Likely benign for Pitt-Hopkins-like syndrome 2. Last evaluated: 2025-11-03. Review status: criteria provided, single submitter. Criteria: Invitae Variant Classification Sherloc (09022015). Collection method: clinical testing. Allele origin: germline.

GeneDx
Classification: Likely benign. Last evaluated: 2018-04-06. Review status: criteria provided, single submitter. Criteria: GeneDx Variant Classification (06012015). Collection method: clinical testing. Allele origin: germline. Affected: yes.
Comment: This variant is considered likely benign or benign based on one or more of the following criteria: it is a conservative change, it occurs at a poorly conserved position in the protein, it is predicted to be benign by multiple in silico algorithms, and/or has population frequency not consistent with disease.